The following is an entry in ClinVar:

NM_000094.4(COL7A1):c.1651del (p.Leu551fs)

Gene: COL7A1 (collagen type VII alpha 1 chain; minus strand). Cytogenetic location: 3p21.31.
Variant type: Deletion.
Coding change: c.1651del on transcript NM_000094.4 (MANE Select); coding-DNA position 1651, one base deleted (C; older notation c.1651delC).
Protein change: p.Leu551fs; shifts the reading frame from leucine 551.
Molecular consequence: frameshift variant.
Genome position (GRCh38, 1-based): chr3:48,590,802, G deleted on the plus strand (C on the coding strand, the reverse complement: COL7A1 is on the minus strand); the first of 3 consecutive G bases (chr3:48,590,802-48,590,804); deleting any one gives the same sequence. VCF-style (leftmost placement, unchanged base first): chr3-48590801-AG-A. GRCh37 (hg19) VCF-style: chr3-48628234-AG-A.
Other names: short protein forms L551fs.
Identifiers: ClinVar variation 5015973 (VCV005015973.1).

ClinVar aggregate classification (germline): Pathogenic (1 of 4 stars; one submission).

Conditions:
Recessive dystrophic epidermolysis bullosa (RDEB). Also called: DYSTROPHIC EPIDERMOLYSIS BULLOSA, AUTOSOMAL RECESSIVE; EPIDERMOLYSIS BULLOSA DYSTROPHICA, HALLOPEAU-SIEMENS TYPE; Hallopeau-Siemens Disease; severe generalized recessive dystrophic epidermolysis bullosa; EPIDERMOLYSIS BULLOSA DYSTROPHICA, GENERALIZED SEVERE, AUTOSOMAL RECESSIVE; Epidermolysis Bullosa Distrophica Autosomal Recessive (RDEB). Identifiers: Orphanet 79408, Orphanet 79409, MedGen C0079474, MONDO:0009179, OMIM 226600.

Submission:

Myriad Genetics, Inc.
Classification: Pathogenic for Recessive dystrophic epidermolysis bullosa. Last evaluated: 2026-05-30. Review status: criteria provided, single submitter. Criteria: Myriad Autosomal Dominant, Autosomal Recessive and X-Linked Classification Criteria (2023). Collection method: clinical testing. Allele origin: unknown.
Comment: NM_000094.3(COL7A1):c.1651delC(L551Wfs*64) is expected to be pathogenic in the context of dystrophic epidermolysis bullosa. This variant is predicted to lead to an abnormal or absent protein product due to the creation of a premature termination codon in COL7A1, a gene where loss-of-function variants are known to be pathogenic. Please note: this variant was assessed in the context of healthy population screening.